The following is an entry in ClinVar:

NM_001267550.2(TTN):c.76067del (p.Lys25356fs)

Genes: TTN-AS1 (TTN antisense RNA 1; plus strand), TTN (titin; minus strand). Cytogenetic location: 2q31.2.
Variant type: Deletion.
Coding change: c.76067del on transcript NM_001267550.2 (MANE Select); coding-DNA position 76067, one base deleted (A; older notation c.76067delA).
Protein change: p.Lys25356fs; shifts the reading frame from lysine 25356.
Molecular consequence: frameshift variant.
Genome position (GRCh38, 1-based): chr2:178,570,065, T deleted on the plus strand (A on the coding strand, the reverse complement: TTN is on the minus strand); the first of 2 consecutive T bases (chr2:178,570,065-178,570,066); deleting either gives the same sequence. VCF-style (leftmost placement, unchanged base first): chr2-178570064-CT-C. GRCh37 (hg19) VCF-style: chr2-179434791-CT-C.
Other names: c.71144del, p.Lys23715fs (NM_001256850.1); c.48872del, p.Lys16291fs (NM_003319.4); c.68363del, p.Lys22788fs (NM_133378.4); c.49247del, p.Lys16416fs (NM_133432.3); c.49448del, p.Lys16483fs (NM_133437.4); short protein forms K16483fs, K16416fs, K25356fs, K22788fs, K16291fs, K23715fs.
Identifiers: ClinVar variation 4785352 (VCV004785352.1).

ClinVar aggregate classification (germline): Likely pathogenic (1 of 4 stars; one submission).

Conditions:
Autosomal recessive limb-girdle muscular dystrophy type 2J (LGMDR10). Also called: Limb-girdle muscular dystrophy, type 2J; MUSCULAR DYSTROPHY, LIMB-GIRDLE, AUTOSOMAL RECESSIVE 10. Identifiers: Orphanet 140922, MedGen C1837342, MONDO:0012127, OMIM 608807.
Dilated cardiomyopathy 1G (CMD1G). Identifiers: Orphanet 154, MedGen C1858763, MONDO:0011400, OMIM 604145.

Submission:

Labcorp Genetics (formerly Invitae), Labcorp
Classification: Likely pathogenic for Dilated cardiomyopathy 1G; Autosomal recessive limb-girdle muscular dystrophy type 2J. Last evaluated: 2025-06-22. Review status: criteria provided, single submitter. Criteria: Invitae Variant Classification Sherloc (09022015). Collection method: clinical testing. Allele origin: germline.
Comment: This sequence change creates a premature translational stop signal (p.Lys25356Serfs*3) in the TTN gene. While this is not anticipated to result in nonsense mediated decay, it is expected to create a truncated TTN protein. This variant is not present in population databases (gnomAD no frequency). This variant has not been reported in the literature in individuals affected with TTN-related conditions. This variant is located in the A band of TTN (PMID: 25589632). Truncating variants in this region are significantly overrepresented in patients affected with dilated cardiomyopathy (PMID: 25589632). Truncating variants in this region have also been reported in individuals affected with autosomal recessive centronuclear myopathy (PMID: 23975875). In summary, the currently available evidence indicates that the variant is pathogenic, but additional data are needed to prove that conclusively. Therefore, this variant has been classified as Likely Pathogenic.

Literature cited by the submitters: PubMed 25589632; PubMed 23975875.